The following is an entry in ClinVar:

NM_000286.3(PEX12):c.571C>A (p.Pro191Thr)

Gene: PEX12 (peroxisomal biogenesis factor 12; minus strand). Cytogenetic location: 17q12.
Variant type: single nucleotide variant.
Coding change: c.571C>A on transcript NM_000286.3 (MANE Select); coding-DNA position 571, C replaced by A.
Protein change: p.Pro191Thr; replaces proline 191 with threonine.
Molecular consequence: missense variant.
Genome position (GRCh38, 1-based): chr17:35,577,147, G>T on the plus strand (C>A on the coding strand, the complement: PEX12 is on the minus strand). VCF-style: chr17-35577147-G-T. GRCh37 (hg19) VCF-style: chr17-33904166-G-T.
Other names: short protein forms P191T.
Identifiers: ClinVar variation 931779 (VCV000931779.3), dbSNP rs2072790056, ClinGen allele CA399137842.

ClinVar aggregate classification (germline): Uncertain significance (1 of 4 stars; one submission).

Conditions:
Peroxisome biogenesis disorder type 3B. Identifiers: Orphanet 44, Orphanet 772, MedGen C3550693, MONDO:0009959, OMIM 266510.

Allele frequency attached by ClinVar (database versions not stated): TOPMed below 0.00001.
gnomAD v4.1: 2 of 1,613,996 alleles (0.00012%); highest among the groups gnomAD compares: Non-Finnish European, 0.00017%; no homozygotes.

Submission:

Centre for Mendelian Genomics, University Medical Centre Ljubljana
Classification: Uncertain significance for Peroxisome biogenesis disorder type 3B. Last evaluated: 2020-03-24. Review status: criteria provided, single submitter. Criteria: ACMG Guidelines, 2015. Collection method: clinical testing. Allele origin: unknown. Affected: yes.
Comment: This variant was classified as: Uncertain significance. The available evidence on this variant's pathogenicity is insufficient or conflicting. The following ACMG criteria were applied in classifying this variant: PM2,PP3.